The following is an entry in ClinVar:

NM_000090.4(COL3A1):c.3515G>C (p.Arg1172Thr)

Gene: COL3A1 (collagen type III alpha 1 chain; plus strand). Cytogenetic location: 2q32.2.
Variant type: single nucleotide variant.
Coding change: c.3515G>C on transcript NM_000090.4 (MANE Select); coding-DNA position 3515, G replaced by C.
Protein change: p.Arg1172Thr; replaces arginine 1172 with threonine.
Molecular consequence: missense variant.
Genome position (GRCh38, 1-based): chr2:189,008,132, G>C. VCF-style: chr2-189008132-G-C. GRCh37 (hg19) VCF-style: chr2-189872858-G-C.
Other names: short protein forms R1172T.
Identifiers: ClinVar variation 459788 (VCV000459788.1), dbSNP rs1553509668, ClinGen allele CA349846543.

ClinVar aggregate classification (germline): Uncertain significance (1 of 4 stars; one submission).

Conditions:
Ehlers-Danlos syndrome, type 4 (EDSVASC). Also called: Ehlers-Danlos syndrome vascular type; Ehlers Danlos syndrome, ecchymotic type; Ehlers Danlos syndrome, arterial type; Ehlers Danlos syndrome, Sack-Barabas type; Ehlers-Danlos Syndrome Type IV. Identifiers: Orphanet 286, MedGen C0268338, MONDO:0017314, OMIM 130050.

Submission:

Labcorp Genetics (formerly Invitae), Labcorp
Classification: Uncertain significance for Ehlers-Danlos syndrome, type 4. Last evaluated: 2017-03-02. Review status: criteria provided, single submitter. Criteria: Invitae Variant Classification Sherloc (09022015). Collection method: clinical testing. Allele origin: germline.
Comment: This sequence change replaces arginine with threonine at codon 1172 of the COL3A1 protein (p.Arg1172Thr). The arginine residue is highly conserved and there is a moderate physicochemical difference between arginine and threonine. This variant is not present in population databases (ExAC no frequency) and has not been reported in the literature in individuals with a COL3A1-related disease. Algorithms developed to predict the effect of missense changes on protein structure and function (SIFT, PolyPhen-2, Align-GVGD) all suggest that this variant is likely to be tolerated, but these predictions have not been confirmed by published functional studies. In summary, this variant is a novel missense change that is not predicted to affect protein function. There is no indication that it causes disease, but the available evidence is currently insufficient to prove that conclusively. Therefore, it has been classified as a Variant of Uncertain Significance.